The following is an entry in ClinVar:

ClinVar aggregate classification (germline): Uncertain significance. Review status: criteria provided, multiple submitters, no conflicts (2 of 4 stars). 2 submissions from 2 submitters: Uncertain significance (2). Last evaluated 2026-01-09.

Conditions:
Gastrointestinal stromal tumor. Also called: Gastrointestinal stromal tumor, somatic; Gastrointestinal stroma tumor. Identifiers: Orphanet 44890, MedGen C0238198, MeSH D046152, MONDO:0011719, OMIM 606764, HP:0100723.
Hereditary cancer-predisposing syndrome. Also called: Tumor predisposition; Neoplastic Syndromes, Hereditary; Hereditary Cancer Syndrome; Hereditary neoplastic syndrome. Identifiers: Orphanet 140162, MedGen C0027672, MeSH D009386, MONDO:0015356.

Allele frequency attached by ClinVar (database versions not stated): TOPMed 0.00001.

Submissions (2):

Ambry Genetics
Classification: Uncertain significance for Hereditary cancer-predisposing syndrome. Last evaluated: 2026-01-09. Review status: criteria provided, single submitter. Criteria: Ambry Variant Classification Scheme 2023. Collection method: clinical testing. Allele origin: germline.
Comment: The p.E113K variant (also known as c.337G>A), located in coding exon 2 of the PDGFRA gene, results from a G to A substitution at nucleotide position 337. The glutamic acid at codon 113 is replaced by lysine, an amino acid with similar properties. This amino acid position is well conserved in available vertebrate species. In addition, this alteration is predicted to be tolerated by in silico analysis. Based on the available evidence, the clinical significance of this variant remains unclear.

Labcorp Genetics (formerly Invitae), Labcorp
Classification: Uncertain significance for Gastrointestinal stromal tumor. Last evaluated: 2021-08-23. Review status: criteria provided, single submitter. Criteria: Invitae Variant Classification Sherloc (09022015). Collection method: clinical testing. Allele origin: germline.
Comment: In summary, the available evidence is currently insufficient to determine the role of this variant in disease. Therefore, it has been classified as a Variant of Uncertain Significance. Algorithms developed to predict the effect of missense changes on protein structure and function output the following: SIFT: "Tolerated"; PolyPhen-2: "Benign"; Align-GVGD: "Class C0". The lysine amino acid residue is found in multiple mammalian species, suggesting that this missense change does not adversely affect protein function. These predictions have not been confirmed by published functional studies and their clinical significance is uncertain. This variant has not been reported in the literature in individuals with PDGFRA-related conditions. This variant is not present in population databases (ExAC no frequency). This sequence change replaces glutamic acid with lysine at codon 113 of the PDGFRA protein (p.Glu113Lys). The glutamic acid residue is moderately conserved and there is a small physicochemical difference between glutamic acid and lysine.

NM_006206.6(PDGFRA):c.337G>A (p.Glu113Lys)

Gene: PDGFRA (platelet derived growth factor receptor alpha; plus strand). Cytogenetic location: 4q12.
Variant type: single nucleotide variant.
Coding change: c.337G>A on transcript NM_006206.6 (MANE Select); coding-DNA position 337, G replaced by A.
Protein change: p.Glu113Lys; replaces glutamic acid 113 with lysine.
Molecular consequence: missense variant.
Genome position (GRCh38, 1-based): chr4:54,261,382, G>A. VCF-style: chr4-54261382-G-A. GRCh37 (hg19) VCF-style: chr4-55127549-G-A.
Other names: c.337G>A (NM_006206.4); c.337G>A, p.Glu113Lys (NM_001347827.2, NM_001347829.2); c.412G>A, p.Glu138Lys (NM_001347828.2); c.376G>A, p.Glu126Lys (NM_001347830.2); short protein forms E113K, E126K, E138K.
Identifiers: ClinVar variation 1508390 (VCV001508390.9), dbSNP rs1722706959, ClinGen allele CA356889010.